The following is an entry in ClinVar:

ClinVar aggregate classification (germline): Uncertain significance. Review status: criteria provided, multiple submitters, no conflicts (2 of 4 stars). 2 submissions from 2 submitters: Uncertain significance (2). Last evaluated 2024-11-27.

Conditions:
Inborn genetic diseases. Identifiers: MedGen C0950123, MeSH D030342.
Transcobalamin II deficiency (TCN2D). Also called: TC II DEFICIENCY; TCN2 DEFICIENCY; Transcolabamin II deficiency. Identifiers: Orphanet 859, MedGen C0342701, MONDO:0010149, OMIM 275350.

Allele frequency attached by ClinVar (database versions not stated): gnomAD 0.00002; TOPMed 0.00002.
gnomAD v4.1: 35 of 1,613,856 alleles (0.0022%); highest among the groups gnomAD compares: East Asian, 0.018%; 1 homozygote.

Submissions (2):

Labcorp Genetics (formerly Invitae), Labcorp
Classification: Uncertain significance for Transcobalamin II deficiency. Last evaluated: 2024-11-27. Review status: criteria provided, single submitter. Criteria: Invitae Variant Classification Sherloc (09022015). Collection method: clinical testing. Allele origin: germline.
Comment: This sequence change replaces isoleucine, which is neutral and non-polar, with phenylalanine, which is neutral and non-polar, at codon 347 of the TCN2 protein (p.Ile347Phe). This variant is present in population databases (rs761778896, gnomAD 0.05%), including at least one homozygous and/or hemizygous individual. This variant has not been reported in the literature in individuals affected with TCN2-related conditions. ClinVar contains an entry for this variant (Variation ID: 1347992). Invitae Evidence Modeling of protein sequence and biophysical properties (such as structural, functional, and spatial information, amino acid conservation, physicochemical variation, residue mobility, and thermodynamic stability) indicates that this missense variant is not expected to disrupt TCN2 protein function with a negative predictive value of 80%. In summary, the available evidence is currently insufficient to determine the role of this variant in disease. Therefore, it has been classified as a Variant of Uncertain Significance.

Ambry Genetics
Classification: Uncertain significance for Inborn genetic diseases. Last evaluated: 2024-09-03. Review status: criteria provided, single submitter. Criteria: Ambry Variant Classification Scheme 2023. Collection method: clinical testing. Allele origin: germline.

NM_000355.4(TCN2):c.1039A>T (p.Ile347Phe)

Gene: TCN2 (transcobalamin 2; plus strand). Cytogenetic location: 22q12.2.
Variant type: single nucleotide variant.
Coding change: c.1039A>T on transcript NM_000355.4 (MANE Select); coding-DNA position 1039, A replaced by T.
Protein change: p.Ile347Phe; replaces isoleucine 347 with phenylalanine.
Molecular consequence: missense variant.
Genome position (GRCh38, 1-based): chr22:30,617,428, A>T. VCF-style: chr22-30617428-A-T. GRCh37 (hg19) VCF-style: chr22-31013415-A-T.
Other names: c.958A>T, p.Ile320Phe (NM_001184726.2); c.1039A>T (NM_000355.3); short protein forms I320F, I347F.
Identifiers: ClinVar variation 1347992 (VCV001347992.5), dbSNP rs761778896, ClinGen allele CA10184939.